The following is an entry in ClinVar:

NM_004423.4(DVL3):c.1370G>A (p.Gly457Asp)

Gene: DVL3 (dishevelled segment polarity protein 3; plus strand). Cytogenetic location: 3q27.1.
Variant type: single nucleotide variant.
Coding change: c.1370G>A on transcript NM_004423.4 (MANE Select); coding-DNA position 1370, G replaced by A.
Protein change: p.Gly457Asp; replaces glycine 457 with aspartic acid.
Molecular consequence: missense variant.
Genome position (GRCh38, 1-based): chr3:184,167,937, G>A. VCF-style: chr3-184167937-G-A. GRCh37 (hg19) VCF-style: chr3-183885725-G-A.
Other names: short protein forms G457D.
Identifiers: ClinVar variation 3377888 (VCV003377888.1).

ClinVar aggregate classification (germline): Uncertain significance (1 of 4 stars; one submission).

Submission:

GeneDx
Classification: Uncertain significance. Last evaluated: 2024-05-15. Review status: criteria provided, single submitter. Criteria: GeneDx Variant Classification Process June 2021. Collection method: clinical testing. Allele origin: germline. Affected: yes.
Comment: Not observed at significant frequency in large population cohorts (gnomAD); In silico analysis supports that this missense variant has a deleterious effect on protein structure/function; Has not been previously published as pathogenic or benign to our knowledge